The following is an entry in ClinVar:

ClinVar aggregate classification (germline): Uncertain significance. Review status: criteria provided, multiple submitters, no conflicts (2 of 4 stars). 2 submissions from 2 submitters: Uncertain significance (2). Last evaluated 2024-10-25.

Conditions:
ABCA4-related disorder. Also called: ABCA4-related disorders; ABCA4-related condition. Identifiers: MedGen CN239167.

gnomAD v4.1: 6 of 1,613,310 alleles (0.00037%); highest among the groups gnomAD compares: Non-Finnish European, 0.00051%; no homozygotes.

Submissions (2):

Labcorp Genetics (formerly Invitae), Labcorp
Classification: Uncertain significance. Last evaluated: 2024-10-25. Review status: criteria provided, single submitter. Criteria: Invitae Variant Classification Sherloc (09022015). Collection method: clinical testing. Allele origin: germline.
Comment: This sequence change replaces asparagine, which is neutral and polar, with lysine, which is basic and polar, at codon 1707 of the ABCA4 protein (p.Asn1707Lys). This variant is not present in population databases (gnomAD no frequency). This variant has not been reported in the literature in individuals affected with ABCA4-related conditions. ClinVar contains an entry for this variant (Variation ID: 298230). Invitae Evidence Modeling of protein sequence and biophysical properties (such as structural, functional, and spatial information, amino acid conservation, physicochemical variation, residue mobility, and thermodynamic stability) has been performed for this missense variant. However, the output from this modeling did not meet the statistical confidence thresholds required to predict the impact of this variant on ABCA4 protein function. In summary, the available evidence is currently insufficient to determine the role of this variant in disease. Therefore, it has been classified as a Variant of Uncertain Significance.

Illumina Laboratory Services, Illumina
Classification: Uncertain significance for ABCA4-Related Disorders. Last evaluated: 2018-01-13. Review status: criteria provided, single submitter. Criteria: ICSL Variant Classification Criteria 13 December 2019. Collection method: clinical testing. Allele origin: germline.

NM_000350.3(ABCA4):c.5121C>A (p.Asn1707Lys)

Gene: ABCA4 (ATP binding cassette subfamily A member 4; minus strand). Cytogenetic location: 1p22.1.
Variant type: single nucleotide variant.
Coding change: c.5121C>A on transcript NM_000350.3 (MANE Select); coding-DNA position 5121, C replaced by A.
Protein change: p.Asn1707Lys; replaces asparagine 1707 with lysine.
Molecular consequence: missense variant.
Genome position (GRCh38, 1-based): chr1:94,019,657, G>T on the plus strand (C>A on the coding strand, the complement: ABCA4 is on the minus strand). VCF-style: chr1-94019657-G-T. GRCh37 (hg19) VCF-style: chr1-94485213-G-T.
Other names: c.4899C>A, p.Asn1633Lys (NM_001425324.1); short protein forms N1707K, N1633K.
Identifiers: ClinVar variation 298230 (VCV000298230.15), dbSNP rs886046562, ClinGen allele CA10610445.